The following is an entry in ClinVar:

NM_001042492.3(NF1):c.431C>T (p.Ser144Phe)

Gene: NF1 (neurofibromin 1; plus strand). Cytogenetic location: 17q11.2.
Variant type: single nucleotide variant.
Coding change: c.431C>T on transcript NM_001042492.3 (MANE Select); coding-DNA position 431, C replaced by T.
Protein change: p.Ser144Phe; replaces serine 144 with phenylalanine.
Molecular consequence: missense variant.
Genome position (GRCh38, 1-based): chr17:31,163,328, C>T. VCF-style: chr17-31163328-C-T. GRCh37 (hg19) VCF-style: chr17-29490346-C-T.
Other names: c.431C>T, p.Ser144Phe (NM_000267.4, NM_001128147.3); short protein forms S144F.
Identifiers: ClinVar variation 846508 (VCV000846508.7), dbSNP rs2065795028, ClinGen allele CA398981937.
Genomic context (GRCh38, chr17:31,163,328, plus strand): 5'-GTCGTGAAGGAAACCAGCATGCAGCTGAACTTCGGAATTCTGCCTCTGGGGTTTTATTTT[C>T]TCTCAGCTGCAACAACTTCAATGCAGTCTTTAGTCGCATTTCTACCAGGTTAGTGTGTAA-3'
Protein context (NP_001035957.1, residues 134-154): LRNSASGVLF[Ser144Phe]LSCNNFNAVF

ClinVar aggregate classification (germline): Uncertain significance. Review status: criteria provided, multiple submitters, no conflicts (2 of 4 stars). 2 submissions from 2 submitters: Uncertain significance (2). Last evaluated 2026-07-13.

Conditions:
Hereditary cancer-predisposing syndrome. Also called: Tumor predisposition; Hereditary neoplastic syndrome; Neoplastic Syndromes, Hereditary; Hereditary Cancer Syndrome. Identifiers: Orphanet 140162, MedGen C0027672, MeSH D009386, MONDO:0015356.
Cardiovascular phenotype. Identifiers: MedGen CN230736.
Neurofibromatosis, type 1 (NF1). Also called: VON RECKLINGHAUSEN DISEASE; NEUROFIBROMATOSIS, TYPE I, SOMATIC; Peripheral type neurofibromatosis; Neurofibromatosis, type I. Identifiers: Orphanet 636, MedGen C0027831, MONDO:0018975, OMIM 162200. Disease mechanism: loss of function.

Submissions (2):

Ambry Genetics
Classification: Uncertain significance for Cardiovascular phenotype; Hereditary cancer-predisposing syndrome. Last evaluated: 2026-07-13. Review status: criteria provided, single submitter. Criteria: Ambry Variant Classification Scheme 2023. Collection method: clinical testing. Allele origin: germline.
Comment: The p.S144F variant (also known as c.431C>T), located in coding exon 4 of the NF1 gene, results from a C to T substitution at nucleotide position 431. The serine at codon 144 is replaced by phenylalanine, an amino acid with highly dissimilar properties. This amino acid position is highly conserved in available vertebrate species. In addition, this alteration is predicted to be deleterious by in silico analysis. Based on the available evidence, the clinical significance of this variant remains unclear.

Labcorp Genetics (formerly Invitae), Labcorp
Classification: Uncertain significance for Neurofibromatosis, type 1. Last evaluated: 2021-07-25. Review status: criteria provided, single submitter. Criteria: Invitae Variant Classification Sherloc (09022015). Collection method: clinical testing. Allele origin: germline.
Comment: Algorithms developed to predict the effect of missense changes on protein structure and function are either unavailable or do not agree on the potential impact of this missense change (SIFT: "Deleterious"; PolyPhen-2: "Probably Damaging"; Align-GVGD: "Class C0"). This variant has not been reported in the literature in individuals with NF1-related conditions. This variant is not present in population databases (ExAC no frequency). This sequence change replaces serine with phenylalanine at codon 144 of the NF1 protein (p.Ser144Phe). The serine residue is moderately conserved and there is a large physicochemical difference between serine and phenylalanine. In summary, the available evidence is currently insufficient to determine the role of this variant in disease. Therefore, it has been classified as a Variant of Uncertain Significance.